The following is an entry in ClinVar:

NM_001684.5(ATP2B4):c.1981G>A (p.Glu661Lys)

Gene: ATP2B4 (ATPase plasma membrane Ca2+ transporting 4; plus strand). Cytogenetic location: 1q32.1.
Variant type: single nucleotide variant.
Coding change: c.1981G>A on transcript NM_001684.5 (MANE Select); coding-DNA position 1981, G replaced by A.
Protein change: p.Glu661Lys; replaces glutamic acid 661 with lysine.
Molecular consequence: missense variant.
Genome position (GRCh38, 1-based): chr1:203,711,058, G>A. VCF-style: chr1-203711058-G-A. GRCh37 (hg19) VCF-style: chr1-203680186-G-A.
Other names: c.1981G>A, p.Glu661Lys (NM_001001396.3, NM_001365783.2, NM_001365784.2); short protein forms E661K.
Identifiers: ClinVar variation 706579 (VCV000706579.34), dbSNP rs147729934, ClinGen allele CA1341743.

ClinVar aggregate classification (germline): Benign. Review status: criteria provided, multiple submitters, no conflicts (2 of 4 stars). 3 submissions from 3 submitters: Benign (3). Last evaluated 2026-01-26.

Allele frequency attached by ClinVar (database versions not stated): TOPMed 0.00060; 1000 Genomes Project 30x 0.00062; 1000 Genomes Project 0.00080; ESP Exome Variant Server 0.00115; gnomAD exomes 0.00139 and 0.00162; gnomAD 0.00141 and 0.00150; ExAC 0.00190.
gnomAD v4.1: 2,263 of 1,614,140 alleles (0.14%); highest among the groups gnomAD compares: Non-Finnish European, 0.14%; 5 homozygotes.

Submissions (3):

Labcorp Genetics (formerly Invitae), Labcorp
Classification: Benign. Last evaluated: 2026-01-26. Review status: criteria provided, single submitter. Criteria: Invitae Variant Classification Sherloc (09022015). Collection method: clinical testing. Allele origin: germline.

CeGaT Center for Human Genetics Tuebingen
Classification: Benign. Last evaluated: 2023-03-01. Review status: criteria provided, single submitter. Criteria: CeGaT Center For Human Genetics Tuebingen Variant Classification Criteria Version 2. Collection method: clinical testing. Allele origin: germline. Affected: yes. Observed: 2 variant alleles.
Comment: ATP2B4: BP4, BS1, BS2

Breakthrough Genomics
Classification: Benign. Review status: criteria provided, single submitter. Criteria: ACMG Guidelines, 2015. Collection method: not provided. Allele origin: germline. Inheritance: Unknown mechanism. Affected: yes.